The following is an entry in ClinVar:

NM_001267550.2(TTN):c.6322G>A (p.Glu2108Lys)

Gene: TTN (titin; minus strand). Cytogenetic location: 2q31.2.
Variant type: single nucleotide variant.
Coding change: c.6322G>A on transcript NM_001267550.2 (MANE Select); coding-DNA position 6322, G replaced by A.
Protein change: p.Glu2108Lys; replaces glutamic acid 2108 with lysine.
Molecular consequence: missense variant.
Genome position (GRCh38, 1-based): chr2:178,775,542, C>T on the plus strand (G>A on the coding strand, the complement: TTN is on the minus strand). VCF-style: chr2-178775542-C-T. GRCh37 (hg19) VCF-style: chr2-179640269-C-T.
Other names: c.6322G>A, p.Glu2108Lys (NM_133378.4, NM_001256850.1, NM_133379.5); c.6184G>A, p.Glu2062Lys (NM_003319.4, NM_133432.3, NM_133437.4); short protein forms E2108K, E2062K.
Identifiers: ClinVar variation 894236 (VCV000894236.7), dbSNP rs762999586, ClinGen allele CA2005070.
Genomic context (GRCh38, chr2:178,775,542, plus strand): 5'-AGTACCAGTAGATCCGGTCAGACCGTTCAATTTTGACACCATTTTTGTACCATTCACATT[C>T]GGGGTCTGGTTTCCCCACGACTCTGACCCGGAAGTGTGCATCAGATCCTTGGCCCACTGT-3'
Protein context (NP_001254479.2, residues 2098-2118): RVRVVGKPDP[Glu2108Lys]CEWYKNGVKI

ClinVar aggregate classification (germline): Conflicting classifications of pathogenicity. Review status: criteria provided, conflicting classifications (1 of 4 stars). 7 submissions from 3 submitters: Uncertain significance (5); Likely benign (2). Last evaluated 2025-12-03.

Conditions:
Myopathy, myofibrillar, 9, with early respiratory failure (MFM9). Also called: Myopathy, distal, with early respiratory failure, autosomal dominant; Hereditary myopathy with early respiratory failure; EDSTROM MYOPATHY; MYOPATHY, PROXIMAL, WITH EARLY RESPIRATORY MUSCLE INVOLVEMENT. Identifiers: Orphanet 178464, Orphanet 34521, MedGen C1863599, MONDO:0011362, OMIM 603689.
TTN-related disorder. Also called: TTN-related condition; TTN-related disease; TTN-related disorders.
Autosomal recessive limb-girdle muscular dystrophy type 2J (LGMDR10). Also called: MUSCULAR DYSTROPHY, LIMB-GIRDLE, AUTOSOMAL RECESSIVE 10; Limb-girdle muscular dystrophy, type 2J. Identifiers: Orphanet 140922, MedGen C1837342, MONDO:0012127, OMIM 608807.
Early-onset myopathy with fatal cardiomyopathy (CMYO5). Also called: CONGENITAL MYOPATHY 5 WITH CARDIOMYOPATHY; Salih Myopathy. Identifiers: Orphanet 289377, MedGen C2673677, MONDO:0012714, OMIM 611705. Disease mechanism: loss of function.
Tibial muscular dystrophy (TMD). Also called: UDD MYOPATHY; Udd Distal Myopathy – Tibial Muscular Dystrophy; Tibial muscular dystrophy, tardive. Identifiers: Orphanet 609, MedGen C1838244, MONDO:0010870, OMIM 600334.
Dilated cardiomyopathy 1G (CMD1G). Identifiers: Orphanet 154, MedGen C1858763, MONDO:0011400, OMIM 604145.

Allele frequency attached by ClinVar (database versions not stated): ExAC 0.00002; TOPMed 0.00002; gnomAD 0.00003; gnomAD exomes 0.00003.
gnomAD v4.1: 37 of 1,613,812 alleles (0.0023%); highest among the groups gnomAD compares: Middle Eastern, 0.016%; no homozygotes.

Submissions (7):

PreventionGenetics, part of Exact Sciences
Classification: Uncertain significance for TTN-related condition. Last evaluated: 2025-12-03. Review status: criteria provided, single submitter. Criteria: ACMG Guidelines, 2015. Collection method: clinical testing. Allele origin: germline.
Comment: The TTN c.6322G>A variant is predicted to result in the amino acid substitution p.Glu2108Lys. To our knowledge, this variant has not been reported in the literature. This variant is reported in 0.0085% of alleles in individuals of Latino descent in gnomAD. At this time, the clinical significance of this variant is uncertain due to the absence of conclusive functional and genetic evidence.

Revvity Omics, Revvity
Classification: Uncertain significance. Last evaluated: 2025-01-06. Review status: criteria provided, single submitter. Criteria: ACMG Guidelines, 2015. Collection method: clinical testing. Allele origin: germline.

Illumina Laboratory Services, Illumina
Classification: Likely benign for Myopathy, myofibrillar, 9, with early respiratory failure. Last evaluated: 2018-01-12. Review status: criteria provided, single submitter. Criteria: ICSL Variant Classification Criteria 13 December 2019. Collection method: clinical testing. Allele origin: germline.
Comment: This variant was observed in the ICSL laboratory as part of a predisposition screen in an ostensibly healthy population. It had not been previously curated by ICSL or reported in the Human Gene Mutation Database (HGMD: prior to June 1st, 2018), and was therefore a candidate for classification through an automated scoring system. Utilizing variant allele frequency, disease prevalence and penetrance estimates, and inheritance mode, an automated score was calculated to assess if this variant is too frequent to cause the disease. Based on the score and internal cut-off values, a variant classified as likely benign is not then subjected to further curation. The score for this variant resulted in a classification of likely benign for this disease.

Illumina Laboratory Services, Illumina
Classification: Uncertain significance for Early-onset myopathy with fatal cardiomyopathy. Last evaluated: 2018-01-12. Review status: criteria provided, single submitter. Criteria: ICSL Variant Classification Criteria 13 December 2019. Collection method: clinical testing. Allele origin: germline.

Illumina Laboratory Services, Illumina
Classification: Uncertain significance for Autosomal recessive limb-girdle muscular dystrophy type 2J. Last evaluated: 2018-01-12. Review status: criteria provided, single submitter. Criteria: ICSL Variant Classification Criteria 13 December 2019. Collection method: clinical testing. Allele origin: germline.

Illumina Laboratory Services, Illumina
Classification: Likely benign for Tibial muscular dystrophy. Last evaluated: 2018-01-12. Review status: criteria provided, single submitter. Criteria: ICSL Variant Classification Criteria 13 December 2019. Collection method: clinical testing. Allele origin: germline.
Comment: the same text as in the submission from Illumina Laboratory Services, Illumina above.

Illumina Laboratory Services, Illumina
Classification: Uncertain significance for Dilated cardiomyopathy 1G. Last evaluated: 2018-01-12. Review status: criteria provided, single submitter. Criteria: ICSL Variant Classification Criteria 13 December 2019. Collection method: clinical testing. Allele origin: germline.